The following is an entry in ClinVar:

ClinVar aggregate classification (germline): Uncertain significance (1 of 4 stars; one submission).

Submission:

Labcorp Genetics (formerly Invitae), Labcorp
Classification: Uncertain significance. Last evaluated: 2022-07-05. Review status: criteria provided, single submitter. Criteria: Invitae Variant Classification Sherloc (09022015). Collection method: clinical testing. Allele origin: germline.
Comment: In summary, the available evidence is currently insufficient to determine the role of this variant in disease. Therefore, it has been classified as a Variant of Uncertain Significance. Experimental studies and prediction algorithms are not available or were not evaluated, and the functional significance of this variant is currently unknown. This variant has been observed in individual(s) with autosomal recessive deafness (Invitae). In at least one individual the data is consistent with being in trans (on the opposite chromosome) from a pathogenic variant. This variant is not present in population databases (gnomAD no frequency). This variant, c.4235_4237del, results in the deletion of 1 amino acid(s) of the MYO15A protein (p.Phe1412del), but otherwise preserves the integrity of the reading frame.

NM_016239.4(MYO15A):c.4232TCT[1] (p.Phe1412del)

Gene: MYO15A (myosin XVA; plus strand). Cytogenetic location: 17p11.2.
Variant type: Microsatellite.
Coding change: c.4232TCT[1] on transcript NM_016239.4 (MANE Select); one copy of the 3-base unit TCT starting at c.4232; the reference has two copies in a row; one copy, 3 bases deleted.
Protein change: p.Phe1412del; deletes phenylalanine 1412.
Molecular consequence: inframe deletion.
Genome position (GRCh38, 1-based): chr17:18,132,481-18,132,483, TCT deleted; deleting any 3 consecutive bases within chr17:18,132,478-18,132,483 gives the same sequence; the position shown is the placement nearest the transcript's 3' end. VCF-style (leftmost placement, unchanged base first): chr17-18132477-ATCT-A. GRCh37 (hg19) VCF-style: chr17-18035791-ATCT-A.
Other names: short protein forms F1412del.
Identifiers: ClinVar variation 1389762 (VCV001389762.6), dbSNP rs1360450971, ClinGen allele CA726663189.